The following is an entry in ClinVar:

NM_001385012.1(NBEA):c.6296T>C (p.Ile2099Thr)

Gene: NBEA (neurobeachin; plus strand). Cytogenetic location: 13q13.3.
Variant type: single nucleotide variant.
Coding change: c.6296T>C on transcript NM_001385012.1 (MANE Select); coding-DNA position 6296, T replaced by C.
Protein change: p.Ile2099Thr; replaces isoleucine 2099 with threonine.
Molecular consequence: missense variant.
Genome position (GRCh38, 1-based): chr13:35,432,385, T>C. VCF-style: chr13-35432385-T-C. GRCh37 (hg19) VCF-style: chr13-36006522-T-C.
Other names: c.6287T>C, p.Ile2096Thr (NM_001379245.1); c.6296T>C, p.Ile2099Thr (NM_015678.5); c.6296T>C (NM_015678.4); short protein forms I2096T, I2099T.
Identifiers: ClinVar variation 2570859 (VCV002570859.28), dbSNP rs201595116, ClinGen allele CA6947284.

ClinVar aggregate classification (germline): Likely benign. Review status: criteria provided, multiple submitters, no conflicts (2 of 4 stars). 2 submissions from 2 submitters: Likely benign (2). Last evaluated 2026-01-01.

Conditions:
Inborn genetic diseases. Identifiers: MedGen C0950123, MeSH D030342.

Allele frequency attached by ClinVar (database versions not stated): ESP Exome Variant Server 0.00008; TOPMed 0.00011; gnomAD 0.00015; ExAC 0.00019; gnomAD exomes 0.00022; 1000 Genomes Project 30x 0.00031; 1000 Genomes Project 0.00040.
gnomAD v4.1: 330 of 1,605,714 alleles (0.021%); highest among the groups gnomAD compares: South Asian, 0.027%; no homozygotes.

Submissions (2):

CeGaT Center for Human Genetics Tuebingen
Classification: Likely benign. Last evaluated: 2026-01-01. Review status: criteria provided, single submitter. Criteria: CeGaT Center For Human Genetics Tuebingen Variant Classification Criteria Version 2. Collection method: clinical testing. Allele origin: germline. Affected: yes. Observed: 5 variant alleles.
Comment: NBEA: BP4, BS2

Ambry Genetics
Classification: Likely benign for Inborn genetic diseases. Last evaluated: 2025-09-05. Review status: criteria provided, single submitter. Criteria: Ambry Variant Classification Scheme 2023. Collection method: clinical testing. Allele origin: germline.